The following is an entry in ClinVar:

NM_031483.7(ITCH):c.2541A>G (p.Glu847=)

Gene: ITCH (itchy E3 ubiquitin protein ligase; plus strand). Cytogenetic location: 20q11.22.
Variant type: single nucleotide variant.
Coding change: c.2541A>G on transcript NM_031483.7 (MANE Select); coding-DNA position 2541, A replaced by G.
Protein change: p.Glu847=; no amino-acid change (glutamic acid 847 retained).
Molecular consequence: synonymous variant.
Genome position (GRCh38, 1-based): chr20:34,507,746, A>G. VCF-style: chr20-34507746-A-G. GRCh37 (hg19) VCF-style: chr20-33095551-A-G.
Other names: c.2664A>G, p.Glu888= (NM_001257137.3, NM_001324197.2); c.2211A>G, p.Glu737= (NM_001257138.3); c.2541A>G, p.Glu847= (NM_001324198.2).
Identifiers: ClinVar variation 3032099 (VCV003032099.2), dbSNP rs2516020137, ClinGen allele CA510275917.

ClinVar aggregate classification (germline): Likely benign (0 of 4 stars; one submission).

Conditions:
ITCH-related disorder. Also called: ITCH-related condition.

Allele frequency attached by ClinVar (database versions not stated): gnomAD exomes below 0.00001.
gnomAD v4.1: 1 of 1,613,982 alleles (0.000062%); highest among the groups gnomAD compares: South Asian, 0.0011%; no homozygotes.

Submission:

PreventionGenetics, part of Exact Sciences
Classification: Likely benign for ITCH-related condition. Last evaluated: 2023-11-07. Review status: no assertion criteria provided. Collection method: clinical testing. Allele origin: germline.
Comment: This variant is classified as likely benign based on ACMG/AMP sequence variant interpretation guidelines (Richards et al. 2015 PMID: 25741868, with internal and published modifications).